The following is an entry in ClinVar:

NM_145068.4(TRPV3):c.856C>G (p.Gln286Glu)

Gene: TRPV3 (transient receptor potential cation channel subfamily V member 3; minus strand). Cytogenetic location: 17p13.2.
Variant type: single nucleotide variant.
Coding change: c.856C>G on transcript NM_145068.4 (MANE Select); coding-DNA position 856, C replaced by G.
Protein change: p.Gln286Glu; replaces glutamine 286 with glutamic acid.
Molecular consequence: missense variant.
Genome position (GRCh38, 1-based): chr17:3,532,866, G>C on the plus strand (C>G on the coding strand, the complement: TRPV3 is on the minus strand). VCF-style: chr17-3532866-G-C. GRCh37 (hg19) VCF-style: chr17-3436160-G-C.
Other names: c.856C>G (NM_145068.2); c.856C>G, p.Gln286Glu (NM_001258205.2); short protein forms Q286E.
Identifiers: ClinVar variation 1919328 (VCV001919328.6), dbSNP rs780890549, ClinGen allele CA397685412.
Genomic context (GRCh38, chr17:3,532,866, plus strand): 5'-CGGTCACCAGGGCGTGAAGGATGTTGTTGCCTCGTGAGTCCCGCGAGGTGATGTCCGTCT[G>C]CTCGTGCTCCATCAGCAGCTGCACAATCTCGGGCTGGTTGGTGCATGCTGCCAGGGCCAG-3'
Protein context (NP_659505.1, residues 276-296): EIVQLLMEHE[Gln286Glu]TDITSRDSRG

ClinVar aggregate classification (germline): Uncertain significance. Review status: criteria provided, multiple submitters, no conflicts (2 of 4 stars). 2 submissions from 2 submitters: Uncertain significance (2). Last evaluated 2025-06-18.

Conditions:
Inborn genetic diseases. Identifiers: MedGen C0950123, MeSH D030342.

gnomAD v4.1: 5 of 1,614,228 alleles (0.00031%); highest among the groups gnomAD compares: Admixed American, 0.0017%; no homozygotes.

Submissions (2):

Ambry Genetics
Classification: Uncertain significance for Inborn genetic diseases. Last evaluated: 2025-06-18. Review status: criteria provided, single submitter. Criteria: Ambry Variant Classification Scheme 2023. Collection method: clinical testing. Allele origin: germline.

Labcorp Genetics (formerly Invitae), Labcorp
Classification: Uncertain significance. Last evaluated: 2022-05-30. Review status: criteria provided, single submitter. Criteria: Invitae Variant Classification Sherloc (09022015). Collection method: clinical testing. Allele origin: germline.
Comment: This sequence change replaces glutamine, which is neutral and polar, with glutamic acid, which is acidic and polar, at codon 286 of the TRPV3 protein (p.Gln286Glu). This variant is present in population databases (no rsID available, gnomAD 0.003%). This variant has not been reported in the literature in individuals affected with TRPV3-related conditions. Algorithms developed to predict the effect of missense changes on protein structure and function (SIFT, PolyPhen-2, Align-GVGD) all suggest that this variant is likely to be tolerated. In summary, the available evidence is currently insufficient to determine the role of this variant in disease. Therefore, it has been classified as a Variant of Uncertain Significance.